The following is an entry in ClinVar:

ClinVar aggregate classification (germline): Pathogenic/Likely pathogenic. Review status: criteria provided, multiple submitters, no conflicts (2 of 4 stars). 3 submissions from 3 submitters: Pathogenic (2); Likely pathogenic (1). Last evaluated 2022-03-17.

Conditions:
Familial X-linked hypophosphatemic vitamin D refractory rickets (XLHRD). Also called: X-Linked Hypophosphatemia; Hypophosphatemic Rickets, X-Linked Dominant; HYPOPHOSPHATEMIC VITAMIN D-RESISTANT RICKETS; Hypophosphatemia, vitamin D-resistant rickets; Vitamin D-resistant rickets, X-linked. Identifiers: Orphanet 89936, MedGen C0733682, MONDO:0010619, OMIM 307800.

Submissions (3):

Labcorp Genetics (formerly Invitae), Labcorp
Classification: Pathogenic. Last evaluated: 2022-03-17. Review status: criteria provided, single submitter. Criteria: Invitae Variant Classification Sherloc (09022015). Collection method: clinical testing. Allele origin: germline.
Comment: This sequence change replaces alanine, which is neutral and non-polar, with glutamic acid, which is acidic and polar, at codon 469 of the PHEX protein (p.Ala469Glu). This variant is not present in population databases (gnomAD no frequency). This missense change has been observed in individual(s) with hypophosphatemic rickets (PMID: 33666701; Invitae). ClinVar contains an entry for this variant (Variation ID: 438558). Algorithms developed to predict the effect of missense changes on protein structure and function are either unavailable or do not agree on the potential impact of this missense change (SIFT: "Deleterious"; PolyPhen-2: "Probably Damaging"; Align-GVGD: "Class C15"). For these reasons, this variant has been classified as Pathogenic.

Mendelics
Classification: Likely pathogenic for Familial X-linked hypophosphatemic vitamin D refractory rickets. Last evaluated: 2019-05-28. Review status: criteria provided, single submitter. Criteria: Mendelics Assertion Criteria 2017. Collection method: clinical testing. Allele origin: unknown.

Institute of Human Genetics Munich, TUM University Hospital
Classification: Pathogenic for Familial X-linked hypophosphatemic vitamin D refractory rickets. Last evaluated: 2013-11-06. Review status: criteria provided, single submitter. Criteria: Classification criteria August 2017. Collection method: clinical testing. Allele origin: maternal, germline. Inheritance: X-linked inheritance. Affected: yes. Observed: 1 heterozygote, 1 hemizygote.

Literature cited by the submitters: PubMed 33666701 (cited by Labcorp Genetics (formerly Invitae), Labcorp).

NM_000444.6(PHEX):c.1406C>A (p.Ala469Glu)

Genes: PHEX (phosphate regulating endopeptidase X-linked; plus strand), PHEX-AS1 (PHEX antisense RNA 1; minus strand). Cytogenetic location: Xp22.11.
Variant type: single nucleotide variant.
Coding change: c.1406C>A on transcript NM_000444.6 (MANE Select); coding-DNA position 1406, C replaced by A.
Protein change: p.Ala469Glu; replaces alanine 469 with glutamic acid.
Molecular consequence: missense variant.
Genome position (GRCh38, 1-based): chrX:22,168,313, C>A. VCF-style: chrX-22168313-C-A. GRCh37 (hg19) VCF-style: chrX-22186430-C-A.
Other names: c.1406C>A, p.Ala469Glu (NM_001282754.2); short protein forms A469E.
Identifiers: ClinVar variation 438558 (VCV000438558.14), dbSNP rs375593493, ClinGen allele CA412573942.
Genomic context (GRCh38, chrX:22,168,313, plus strand): 5'-GATTATTAATGATTTAAGTGCTGAAACTCTGACATTATTTTTCTTTTTCCTTTTTGTAGG[C>A]GAGAGCTGTTTTGGCAAAAGTTGGCTATCCAGAGTTTATAATGAATGATACTCATGTTAA-3'
Protein context (NP_000435.3, residues 459-479): AGTKRKAKEK[Ala469Glu]RAVLAKVGYP